The following is an entry in ClinVar:

ClinVar aggregate classification (germline): Uncertain significance (1 of 4 stars; one submission).

Submission:

CeGaT Center for Human Genetics Tuebingen
Classification: Uncertain significance. Last evaluated: 2024-08-01. Review status: criteria provided, single submitter. Criteria: CeGaT Center For Human Genetics Tuebingen Variant Classification Criteria Version 2. Collection method: clinical testing. Allele origin: germline. Affected: yes. Observed: 1 variant allele.
Comment: AEBP1: PM2

NM_001129.5(AEBP1):c.1354A>G (p.Thr452Ala)

Gene: AEBP1 (AE binding protein 1; plus strand). Cytogenetic location: 7p13.
Variant type: single nucleotide variant.
Coding change: c.1354A>G on transcript NM_001129.5 (MANE Select); coding-DNA position 1354, A replaced by G.
Protein change: p.Thr452Ala; replaces threonine 452 with alanine.
Molecular consequence: missense variant.
Genome position (GRCh38, 1-based): chr7:44,110,300, A>G. VCF-style: chr7-44110300-A-G. GRCh37 (hg19) VCF-style: chr7-44149899-A-G.
Other names: short protein forms T452A.
Identifiers: ClinVar variation 3342177 (VCV003342177.16).